The following is an entry in ClinVar:

ClinVar aggregate classification (germline): Uncertain significance. Review status: criteria provided, single submitter (1 of 4 stars). 2 submissions from 2 submitters: Uncertain significance (1). 1 of the submissions does not count toward it. Last evaluated 2015-05-04.

Conditions:
Autosomal recessive nonsyndromic hearing loss 77. Identifiers: Orphanet 90636, MedGen C2746083, MONDO:0013119, OMIM 613079.

Allele frequency attached by ClinVar (database versions not stated): gnomAD 0.00001; gnomAD exomes 0.00001; TOPMed 0.00002.
gnomAD v4.1: 28 of 1,543,540 alleles (0.0018%); highest among the groups gnomAD compares: Non-Finnish European, 0.0022%; no homozygotes.

Submissions (2):

Laboratory for Molecular Medicine, Mass General Brigham Personalized Medicine
Classification: Uncertain significance. Last evaluated: 2015-05-04. Review status: criteria provided, single submitter. Criteria: LMM Criteria. Collection method: clinical testing. Allele origin: germline. Observed: 1 variant allele.
Comment: The c.*4G>A variant in LOXHD1 has not been previously reported in individuals wi th hearing loss. Data from large population studies is insufficient to assess th e frequency of this variant. This variant occurs in the 3'UTR. This genomic regi on contains regulatory elements essential for the regulation and transport of th e mRNA transcript, and variants in this region could result in dysregulation or disruption of these functions. In summary, the clinical significance of the c.*4 G>A variant is uncertain.

Natera, Inc.
Classification: Uncertain significance for Autosomal recessive deafness type 77. Last evaluated: 2019-10-28. Review status: no assertion criteria provided. Collection method: clinical testing. Allele origin: germline. Not counted in ClinVar's aggregate classification.

NM_001384474.1(LOXHD1):c.*4G>A

Gene: LOXHD1 (lipoxygenase homology PLAT domains 1; minus strand). Cytogenetic location: 18q21.1.
Variant type: single nucleotide variant.
Coding change: c.*4G>A on transcript NM_001384474.1 (MANE Select); 4 bases downstream of the stop codon, G replaced by A.
Molecular consequence: 3 prime UTR variant. On other transcripts: intron variant (3).
Genome position (GRCh38, 1-based): chr18:46,477,468, C>T on the plus strand (G>A on the coding strand, the complement: LOXHD1 is on the minus strand). VCF-style: chr18-46477468-C-T. GRCh37 (hg19) VCF-style: chr18-44057431-C-T.
Other names: c.*4G>A (NM_001145473.3, NM_144612.7); c.3307+186G>A (NM_001145472.3); c.3033+172G>A (NM_001308013.2); c.1371+172G>A (NM_001173129.2).
Identifiers: ClinVar variation 228811 (VCV000228811.5), dbSNP rs876657856, ClinGen allele CA10577064.